The following is an entry in ClinVar:

ClinVar aggregate classification (germline): Pathogenic/Likely pathogenic. Review status: criteria provided, multiple submitters, no conflicts (2 of 4 stars). 3 submissions from 3 submitters: Pathogenic (2); Likely pathogenic (1). Last evaluated 2025-04-24.

Conditions:
Jeune thoracic dystrophy. Also called: Short-rib thoracic dysplasia; Jeune syndrome; Infantile thoracic dystrophy; Thoracic pelvic phalangeal dystrophy; Jeune's syndrome; Chondroectodermal dysplasia-like syndrome. Identifiers: Orphanet 474, MedGen C0265275, MONDO:0018770.
Asphyxiating thoracic dystrophy 3. Also called: POLYDACTYLY WITH NEONATAL CHONDRODYSTROPHY, TYPE I; SHORT-RIB THORACIC DYSPLASIA 3/6 WITH POLYDACTYLY, DIGENIC; Short rib polydactyly syndrome 2B; SHORT-RIB THORACIC DYSPLASIA 3 WITH OR WITHOUT POLYDACTYLY; Saldino-Noonan Syndrome. Identifiers: Orphanet 474, Orphanet 93269, Orphanet 93270, Orphanet 93271, MedGen C0036069, MONDO:0013127, OMIM 613091.

Allele frequency attached by ClinVar (database versions not stated): gnomAD exomes below 0.00001; gnomAD 0.00001.
gnomAD v4.1: 6 of 1,612,626 alleles (0.00037%); highest among the groups gnomAD compares: Admixed American, 0.0017%; no homozygotes.

Submissions (3):

Dasa
Classification: Likely pathogenic. Last evaluated: 2025-04-24. Review status: criteria provided, single submitter. Criteria: DASA Assertion Criteria. Collection method: clinical testing. Allele origin: germline.
Comment: NM_001377.3(DYNC2H1):c.6808C>T (p.Arg2270*) is a nonsense variant in DYNC2H1 predicted to introduce a premature termination codon and is predicted to result in an absent or altered protein product. Loss of function is an established disease mechanism for DYNC2H1-associated disorders. Also, this variant is rare in population databases. Based on the currently available evidence, this variant is classified as likely pathogenic.

Myriad Genetics, Inc.
Classification: Pathogenic for Asphyxiating thoracic dystrophy 3. Last evaluated: 2024-09-07. Review status: criteria provided, single submitter. Criteria: Myriad Autosomal Dominant, Autosomal Recessive and X-Linked Classification Criteria (2023). Collection method: clinical testing. Allele origin: unknown.
Comment: NM_001377.2(DYNC2H1):c.6808C>T(R2270*) is expected to be pathogenic in the context of DYNC2H1-related disorders. This variant is predicted to lead to an abnormal or absent protein product due to the creation of a premature termination codon in DYNC2H1, a gene where loss-of-function variants are known to be pathogenic. Please note: this variant was assessed in the context of healthy population screening.

Labcorp Genetics (formerly Invitae), Labcorp
Classification: Pathogenic for Jeune thoracic dystrophy. Last evaluated: 2023-11-20. Review status: criteria provided, single submitter. Criteria: Invitae Variant Classification Sherloc (09022015). Collection method: clinical testing. Allele origin: germline.
Comment: This sequence change creates a premature translational stop signal (p.Arg2270*) in the DYNC2H1 gene. It is expected to result in an absent or disrupted protein product. Loss-of-function variants in DYNC2H1 are known to be pathogenic (PMID: 23339108, 32753734, 33755199). This variant is present in population databases (rs755442994, gnomAD 0.0009%). This variant has not been reported in the literature in individuals affected with DYNC2H1-related conditions. Algorithms developed to predict the effect of sequence changes on RNA splicing suggest that this variant may disrupt the consensus splice site. For these reasons, this variant has been classified as Pathogenic.

Literature cited by the submitters: PubMed 23339108 (cited by Labcorp Genetics (formerly Invitae), Labcorp); PubMed 32753734 (cited by Labcorp Genetics (formerly Invitae), Labcorp); PubMed 33755199 (cited by Labcorp Genetics (formerly Invitae), Labcorp).

NM_001377.3(DYNC2H1):c.6808C>T (p.Arg2270Ter)

Gene: DYNC2H1 (dynein cytoplasmic 2 heavy chain 1; plus strand). Cytogenetic location: 11q22.3.
Variant type: single nucleotide variant.
Coding change: c.6808C>T on transcript NM_001377.3 (MANE Select); coding-DNA position 6808, C replaced by T.
Protein change: p.Arg2270Ter; replaces arginine 2270 with a stop codon.
Molecular consequence: nonsense.
Genome position (GRCh38, 1-based): chr11:103,186,416, C>T. VCF-style: chr11-103186416-C-T. GRCh37 (hg19) VCF-style: chr11-103057145-C-T.
Other names: c.6808C>T, p.Arg2270Ter (NM_001080463.2); short protein forms R2270*.
Identifiers: ClinVar variation 3019871 (VCV003019871.6), dbSNP rs755442994, ClinGen allele CA6254079.
Genomic context (GRCh38, chr11:103,186,416, plus strand): 5'-ACTGCTGATGATTTCAGTAACGGCTTAACTCTTCCAGTCATTCAGACTCCTGACATGCAA[C>T]GAGGTCTAGATTATTTCAAACCATGGTTAAGTTCTGATACTAAACAGCCCTTTATTCTGG-3'